The following is an entry in ClinVar:

ClinVar aggregate classification (germline): Uncertain significance. Review status: criteria provided, multiple submitters, no conflicts (2 of 4 stars). 2 submissions from 2 submitters: Uncertain significance (2). Last evaluated 2025-02-05.

gnomAD v4.1: 61 of 1,535,850 alleles (0.004%); highest among the groups gnomAD compares: Non-Finnish European, 0.0047%; no homozygotes.

Submissions (2):

Women's Health and Genetics/Laboratory Corporation of America, LabCorp
Classification: Uncertain significance. Last evaluated: 2025-02-05. Review status: criteria provided, single submitter. Criteria: LabCorp Variant Classification Summary - May 2015. Collection method: clinical testing. Allele origin: germline.
Comment: Variant summary: GFM1 c.689+887G>A (also known as c.729G>A, p.Trp243X in NM_001308164) is located at a position not widely known to affect splicing. Consensus agreement among computation tools predict no significant impact on normal splicing. However, these predictions have yet to be confirmed by functional studies. The variant allele was found at a frequency of 5.2e-05 in 134628 control chromosomes (gnomAD). The available data on variant occurrences in the general population are insufficient to allow any conclusion about variant significance. c.689+887G>A has been reported in the literature in one WES case with unknown phenotype (Cohen_2024). The report does not provide unequivocal conclusions about association of the variant with Combined Oxidative Phosphorylation Deficiency 1. To our knowledge, no experimental evidence demonstrating an impact on protein function has been reported. The following publication have been ascertained in the context of this evaluation (PMID: 38523675). No submitters have cited clinical-significance assessments for this variant to ClinVar. Based on the evidence outlined above, the variant was classified as uncertain significance.

Blueprint Genetics
Classification: Uncertain significance. Last evaluated: 2022-01-27. Review status: criteria provided, single submitter. Criteria: ACMG Guidelines, 2015. Collection method: clinical testing. Allele origin: germline.

Literature cited by the submitters: PubMed 38523675 (cited by Women's Health and Genetics/Laboratory Corporation of America, LabCorp).

NM_024996.7(GFM1):c.689+887G>A

Gene: GFM1 (G elongation factor mitochondrial 1; plus strand). Cytogenetic location: 3q25.32.
Variant type: single nucleotide variant.
Coding change: c.689+887G>A on transcript NM_024996.7 (MANE Select); 887 bases into the intron after coding-DNA position 689, G replaced by A.
Molecular consequence: intron variant. On other transcripts: nonsense (2).
Genome position (GRCh38, 1-based): chr3:158,650,044, G>A. VCF-style: chr3-158650044-G-A. GRCh37 (hg19) VCF-style: chr3-158367833-G-A.
Other names: c.729G>A, p.Trp243Ter (NM_001308164.2, NM_001374355.1); c.464+887G>A (NM_001374357.1); c.573-2052G>A (NM_001374356.1); c.122+887G>A (NM_001374359.1, NM_001374360.1); c.6-2052G>A (NM_001374361.1); c.235-2056G>A (NM_001374358.1); c.689+887G>A (NM_001308166.2); short protein forms W243*.
Identifiers: ClinVar variation 3768749 (VCV003768749.2).